The following is an entry in ClinVar:

NM_152703.5(SAMD9L):c.1627T>A (p.Phe543Ile)

Gene: SAMD9L (sterile alpha motif domain containing 9 like; minus strand). Cytogenetic location: 7q21.2.
Variant type: single nucleotide variant.
Coding change: c.1627T>A on transcript NM_152703.5 (MANE Select); coding-DNA position 1627, T replaced by A.
Protein change: p.Phe543Ile; replaces phenylalanine 543 with isoleucine.
Molecular consequence: missense variant.
Genome position (GRCh38, 1-based): chr7:93,134,345, A>T on the plus strand (T>A on the coding strand, the complement: SAMD9L is on the minus strand). VCF-style: chr7-93134345-A-T. GRCh37 (hg19) VCF-style: chr7-92763658-A-T.
Other names: c.1627T>A, p.Phe543Ile (NM_001303496.3, NM_001303497.3, NM_001303498.3 and 5 more transcripts); short protein forms F543I.
Identifiers: ClinVar variation 1377052 (VCV001377052.6), dbSNP rs2116494981, ClinGen allele CA368195494.

ClinVar aggregate classification (germline): Uncertain significance (1 of 4 stars; one submission).

Allele frequency attached by ClinVar (database versions not stated): gnomAD exomes below 0.00001.
gnomAD v4.1: 1 of 1,610,874 alleles (0.000062%); highest among the groups gnomAD compares: East Asian, 0.0022%; no homozygotes.

Submission:

Labcorp Genetics (formerly Invitae), Labcorp
Classification: Uncertain significance. Last evaluated: 2022-11-01. Review status: criteria provided, single submitter. Criteria: Invitae Variant Classification Sherloc (09022015). Collection method: clinical testing. Allele origin: germline.
Comment: In summary, the available evidence is currently insufficient to determine the role of this variant in disease. Therefore, it has been classified as a Variant of Uncertain Significance. Advanced modeling of protein sequence and biophysical properties (such as structural, functional, and spatial information, amino acid conservation, physicochemical variation, residue mobility, and thermodynamic stability) has been performed at Invitae for this missense variant, however the output from this modeling did not meet the statistical confidence thresholds required to predict the impact of this variant on SAMD9L protein function. ClinVar contains an entry for this variant (Variation ID: 1377052). This variant has not been reported in the literature in individuals affected with SAMD9L-related conditions. This variant is not present in population databases (gnomAD no frequency). This sequence change replaces phenylalanine with isoleucine at codon 543 of the SAMD9L protein (p.Phe543Ile). The phenylalanine residue is highly conserved and there is a small physicochemical difference between phenylalanine and isoleucine.